The following is an entry in ClinVar:

ClinVar aggregate classification (germline): Likely pathogenic (1 of 4 stars; one submission).

Conditions:
Combined malonic and methylmalonic acidemia. Identifiers: Orphanet 289504, MedGen C3280314, MONDO:0013661, OMIM 614265.

Submission:

Natera, Inc.
Classification: Likely pathogenic for Combined malonic and methylmalonic aciduria. Last evaluated: 2025-05-08. Review status: criteria provided, single submitter. Criteria: Natera Variant Classification Schema (03/2026). Collection method: clinical testing. Allele origin: germline.
Comment: The c.305_306delGCinsT variant in ACSF3 is a frameshift variant predicted to shift the reading frame beginning at codon 102 and leads to a stop codon 16 codons downstream. This variant is expected to result in nonsense mediated decay, truncation, or a dysfunctional protein product. This variant is rare in the general population with a frequency below the threshold expected for the associated phenotype(s). Given the available evidence, this variant is classified as Likely Pathogenic.

NM_001243279.3(ACSF3):c.305_306delinsT (p.Cys102fs)

Gene: ACSF3 (acyl-CoA synthetase family member 3; plus strand). Cytogenetic location: 16q24.3.
Variant type: Indel.
Coding change: c.305_306delinsT on transcript NM_001243279.3 (MANE Select); coding-DNA positions 305 to 306, GC replaced by T.
Protein change: p.Cys102fs; shifts the reading frame from cysteine 102.
Molecular consequence: frameshift variant. On other transcripts: non-coding transcript variant (3), intron variant (1).
Genome position (GRCh38, 1-based): chr16:89,100,986-89,100,987, GC replaced by T. VCF-style: chr16-89100986-GC-T. GRCh37 (hg19) VCF-style: chr16-89167394-GC-T.
Other names: c.-129-1618_-129-1617delinsT (NM_001284316.2); c.305_306delinsT, p.Cys102fs (NM_001127214.4, NM_174917.5); short protein forms C102fs.
Identifiers: ClinVar variation 4816973 (VCV004816973.1).